The following is an entry in ClinVar:

ClinVar aggregate classification (germline): Uncertain significance (1 of 4 stars; one submission).

Allele frequency attached by ClinVar (database versions not stated): gnomAD 0.00001; gnomAD exomes 0.00001 and 0.00005; TOPMed 0.00002.
gnomAD v4.1: 17 of 1,549,950 alleles (0.0011%); highest among the groups gnomAD compares: Admixed American, 0.0059%; 1 homozygote.

Submission:

Labcorp Genetics (formerly Invitae), Labcorp
Classification: Uncertain significance. Last evaluated: 2024-04-16. Review status: criteria provided, single submitter. Criteria: Invitae Variant Classification Sherloc (09022015). Collection method: clinical testing. Allele origin: germline.
Comment: This sequence change replaces arginine, which is basic and polar, with histidine, which is basic and polar, at codon 3685 of the ZNF469 protein (p.Arg3685His). This variant is present in population databases (no rsID available, gnomAD 0.01%), including at least one homozygous and/or hemizygous individual. This variant has not been reported in the literature in individuals affected with ZNF469-related conditions. ClinVar contains an entry for this variant (Variation ID: 1505212). Algorithms developed to predict the effect of missense changes on protein structure and function output the following: SIFT: "Not Available"; PolyPhen-2: "Benign"; Align-GVGD: "Not Available". The histidine amino acid residue is found in multiple mammalian species, which suggests that this missense change does not adversely affect protein function. In summary, the available evidence is currently insufficient to determine the role of this variant in disease. Therefore, it has been classified as a Variant of Uncertain Significance.

NM_001367624.2(ZNF469):c.11138G>A (p.Arg3713His)

Gene: ZNF469 (zinc finger protein 469; plus strand). Cytogenetic location: 16q24.2.
Variant type: single nucleotide variant.
Coding change: c.11138G>A on transcript NM_001367624.2 (MANE Select); coding-DNA position 11138, G replaced by A.
Protein change: p.Arg3713His; replaces arginine 3713 with histidine.
Molecular consequence: missense variant.
Genome position (GRCh38, 1-based): chr16:88,438,608, G>A. VCF-style: chr16-88438608-G-A. GRCh37 (hg19) VCF-style: chr16-88505016-G-A.
Other names: short protein forms R3713H.
Identifiers: ClinVar variation 1505212 (VCV001505212.6), dbSNP rs1034026975, ClinGen allele CA286387659.